The following is an entry in ClinVar:

NM_000038.6(APC):c.7460C>T (p.Ser2487Phe)

Gene: APC (APC regulator of Wnt signaling pathway; plus strand). Cytogenetic location: 5q22.2.
Variant type: single nucleotide variant.
Coding change: c.7460C>T on transcript NM_000038.6 (MANE Select); coding-DNA position 7460, C replaced by T.
Protein change: p.Ser2487Phe; replaces serine 2487 with phenylalanine.
Molecular consequence: missense variant.
Genome position (GRCh38, 1-based): chr5:112,843,054, C>T. VCF-style: chr5-112843054-C-T. GRCh37 (hg19) VCF-style: chr5-112178751-C-T.
Other names: c.7460C>T, p.Ser2487Phe (NM_001127510.3, NM_001354895.2, NM_001407450.1); c.7406C>T, p.Ser2469Phe (NM_001127511.3); c.7514C>T, p.Ser2505Phe (NM_001354896.2, NM_001407447.1, NM_001407448.1 and 1 more transcripts); c.7490C>T, p.Ser2497Phe (NM_001354897.2); c.7385C>T, p.Ser2462Phe (NM_001354898.2); c.7376C>T, p.Ser2459Phe (NM_001354899.2); c.7337C>T, p.Ser2446Phe (NM_001354900.2); c.7283C>T, p.Ser2428Phe (NM_001354901.2, NM_001407453.1); and 11 more; short protein forms S2103F, S2386F, S2396F, S2404F, S2327F, S2469F, S2477F, S2480F.
Identifiers: ClinVar variation 2159583 (VCV002159583.4), dbSNP rs778636967, ClinGen allele CA048129.
Genomic context (GRCh38, chr5:112,843,054, plus strand): 5'-CATCATCTAGACCAGCTTCTCCCACTAGGTCCCAGGCACAAACTCCAGTTTTAAGTCCTT[C>T]CCTTCCTGATATGTCTCTATCCACACATTCGTCTGTTCAGGCTGGTGGATGGCGAAAACT-3'
Protein context (NP_000029.2, residues 2477-2497): SQAQTPVLSP[Ser2487Phe]LPDMSLSTHS

ClinVar aggregate classification (germline): Uncertain significance (1 of 4 stars; one submission).

Conditions:
Familial adenomatous polyposis 1 (FAP1). Also called: FAMILIAL ADENOMATOUS POLYPOSIS 1, ATTENUATED; POLYPOSIS, ADENOMATOUS INTESTINAL. Identifiers: MedGen C2713442, MONDO:0021056, OMIM 175100. Disease mechanism: loss of function.

Allele frequency attached by ClinVar (database versions not stated): gnomAD exomes below 0.00001; ExAC 0.00001.
gnomAD v4.1: 1 of 1,613,914 alleles (0.000062%); highest among the groups gnomAD compares: Admixed American, 0.0017%; no homozygotes.

Submission:

Labcorp Genetics (formerly Invitae), Labcorp
Classification: Uncertain significance for Familial adenomatous polyposis 1. Last evaluated: 2025-06-29. Review status: criteria provided, single submitter. Criteria: Invitae Variant Classification Sherloc (09022015). Collection method: clinical testing. Allele origin: germline.
Comment: This sequence change replaces serine, which is neutral and polar, with phenylalanine, which is neutral and non-polar, at codon 2487 of the APC protein (p.Ser2487Phe). This variant is present in population databases (rs778636967, gnomAD 0.003%). This missense change has been observed in individual(s) with familial adenomatous polyposis (PMID: 20233475). This variant is also known as 7406 C>T(S2469F). ClinVar contains an entry for this variant (Variation ID: 2159583). Invitae Evidence Modeling of protein sequence and biophysical properties (such as structural, functional, and spatial information, amino acid conservation, physicochemical variation, residue mobility, and thermodynamic stability) indicates that this missense variant is not expected to disrupt APC protein function with a negative predictive value of 95%. In summary, the available evidence is currently insufficient to determine the role of this variant in disease. Therefore, it has been classified as a Variant of Uncertain Significance.

Literature cited by the submitters: PubMed 20233475.